The following is an entry in ClinVar:

NM_016169.4(SUFU):c.377G>C (p.Arg126Thr)

Gene: SUFU (SUFU negative regulator of hedgehog signaling; plus strand). Cytogenetic location: 10q24.32.
Variant type: single nucleotide variant.
Coding change: c.377G>C on transcript NM_016169.4 (MANE Select); coding-DNA position 377, G replaced by C.
Protein change: p.Arg126Thr; replaces arginine 126 with threonine.
Molecular consequence: missense variant.
Genome position (GRCh38, 1-based): chr10:102,550,029, G>C. VCF-style: chr10-102550029-G-C. GRCh37 (hg19) VCF-style: chr10-104309786-G-C.
Other names: c.377G>C, p.Arg126Thr (NM_001178133.2); short protein forms R126T.
Identifiers: ClinVar variation 3802901 (VCV003802901.1).

ClinVar aggregate classification (germline): Uncertain significance (1 of 4 stars; one submission).

Conditions:
Hereditary cancer-predisposing syndrome. Also called: Neoplastic Syndromes, Hereditary; Hereditary Cancer Syndrome; Tumor predisposition; Hereditary neoplastic syndrome. Identifiers: Orphanet 140162, MedGen C0027672, MeSH D009386, MONDO:0015356.

gnomAD v4.1: 1 of 1,614,204 alleles (0.000062%); highest among the groups gnomAD compares: African/African-American, 0.0013%; no homozygotes.

Submission:

Ambry Genetics
Classification: Uncertain significance for Hereditary cancer-predisposing syndrome. Last evaluated: 2025-01-31. Review status: criteria provided, single submitter. Criteria: Ambry Variant Classification Scheme 2023. Collection method: clinical testing. Allele origin: germline.
Comment: The p.R126T variant (also known as c.377G>C), located in coding exon 3 of the SUFU gene, results from a G to C substitution at nucleotide position 377. The arginine at codon 126 is replaced by threonine, an amino acid with similar properties. This amino acid position is conserved. In addition, this alteration is predicted to be deleterious by in silico analysis. Based on the available evidence, the clinical significance of this variant remains unclear.